The following is an entry in ClinVar:

NM_003640.5(ELP1):c.2405C>G (p.Thr802Ser)

Gene: ELP1 (elongator acetyltransferase complex subunit 1; minus strand). Cytogenetic location: 9q31.3.
Variant type: single nucleotide variant.
Coding change: c.2405C>G on transcript NM_003640.5 (MANE Select); coding-DNA position 2405, C replaced by G.
Protein change: p.Thr802Ser; replaces threonine 802 with serine.
Molecular consequence: missense variant.
Genome position (GRCh38, 1-based): chr9:108,897,244, G>C on the plus strand (C>G on the coding strand, the complement: ELP1 is on the minus strand). VCF-style: chr9-108897244-G-C. GRCh37 (hg19) VCF-style: chr9-111659524-G-C.
Other names: c.2063C>G, p.Thr688Ser (NM_001318360.2); c.1358C>G, p.Thr453Ser (NM_001330749.2); short protein forms T453S, T688S, T802S.
Identifiers: ClinVar variation 1011509 (VCV001011509.9), dbSNP rs1828592002, ClinGen allele CA374421427.
Genomic context (GRCh38, chr9:108,897,244, plus strand): 5'-GCATCGCAGACAAGGTCTATTTTATTCCCGTCAGGATCCCTGGACAGGTAGACACTGCTG[G>C]TAACTGGTGCAGGGTACATGGTCTTCGTGACATCTTCTTCTCTAAGAACAGGTGTGTATG-3'
Protein context (NP_003631.2, residues 792-812): VTKTMYPAPV[Thr802Ser]SSVYLSRDPD

ClinVar aggregate classification (germline): Uncertain significance. Review status: criteria provided, single submitter (1 of 4 stars). 2 submissions from 2 submitters: Uncertain significance (1). 1 of the submissions does not count toward it. Last evaluated 2020-08-29.

Conditions:
Familial dysautonomia. Also called: FD; HSAN III. Identifiers: Orphanet 1764, MedGen C0013364, MONDO:0009131, OMIM 223900. Disease mechanism: loss of function.

Submissions (2):

Labcorp Genetics (formerly Invitae), Labcorp
Classification: Uncertain significance. Last evaluated: 2020-08-29. Review status: criteria provided, single submitter. Criteria: Invitae Variant Classification Sherloc (09022015). Collection method: clinical testing. Allele origin: germline.
Comment: This variant is not present in population databases (ExAC no frequency). This sequence change replaces threonine with serine at codon 802 of the ELP1 protein (p.Thr802Ser). The threonine residue is moderately conserved and there is a small physicochemical difference between threonine and serine. This variant has not been reported in the literature in individuals with ELP1-related conditions. Algorithms developed to predict the effect of missense changes on protein structure and function output the following: SIFT: "Tolerated"; PolyPhen-2: "Benign"; Align-GVGD: "Class C0". The serine amino acid residue is found in multiple mammalian species, suggesting that this missense change does not adversely affect protein function. These predictions have not been confirmed by published functional studies and their clinical significance is uncertain. In summary, the available evidence is currently insufficient to determine the role of this variant in disease. Therefore, it has been classified as a Variant of Uncertain Significance.

Natera, Inc.
Classification: Uncertain significance for Familial dysautonomia. Last evaluated: 2021-07-06. Review status: no assertion criteria provided. Collection method: clinical testing. Allele origin: germline. Not counted in ClinVar's aggregate classification.